The following is an entry in ClinVar:

NM_006579.3(EBP):c.338+1G>C

Gene: EBP (EBP cholestenol delta-isomerase; plus strand). Cytogenetic location: Xp11.23.
Variant type: single nucleotide variant.
Coding change: c.338+1G>C on transcript NM_006579.3 (MANE Select); the canonical splice donor site of the intron after coding-DNA position 338, G replaced by C.
Molecular consequence: splice donor variant.
Genome position (GRCh38, 1-based): chrX:48,527,026, G>C. VCF-style: chrX-48527026-G-C. GRCh37 (hg19) VCF-style: chrX-48385414-G-C.
Identifiers: ClinVar variation 1699251 (VCV001699251.4), dbSNP rs1569479885, ClinGen allele CA412852217.
Genomic context (GRCh38, chrX:48,527,026, plus strand): 5'-TATCTCTCTCTTCTTTTCTTCAGGGAAAGAGTATGCCAAGGGAGACAGCCGATACATCCT[G>C]TAAGTGTTTGCCTCTGTCAATGGAGACTGGCATTGGTTTTCGGGGGGTGGTGAGTTGGGG-3'

ClinVar aggregate classification (germline): Pathogenic (1 of 4 stars; one submission).

Conditions:
Chondrodysplasia punctata 2 X-linked dominant (CDPX2). Also called: CONRADI-HUNERMANN-HAPPLE SYNDROME; HAPPLE SYNDROME; EBP-Related X-Linked Chondrodysplasia Punctata; Hunermann-Conradi Syndrome. Identifiers: Orphanet 35173, MedGen C0282102, MONDO:0020603, OMIM 302960.

Allele frequency attached by ClinVar (database versions not stated): gnomAD exomes below 0.00001.
gnomAD v4.1: 1 of 1,211,834 alleles (0.000083%); highest among the groups gnomAD compares: Non-Finnish European, 0.00011%; no homozygotes.

Submission:

Victorian Clinical Genetics Services, Murdoch Childrens Research Institute
Classification: Pathogenic for Chondrodysplasia punctata 2 X-linked dominant. Last evaluated: 2022-06-24. Review status: criteria provided, single submitter. Criteria: ACMG Guidelines, 2015. Collection method: clinical testing. Allele origin: germline. Inheritance: X-linked dominant inheritance.
Comment: Based on the classification scheme VCGS_Germline_v1.3.4, this variant is classified as Pathogenic. Following criteria are met: 0102 - Loss of function is a known mechanism of disease in this gene and is associated with X-linked dominant chondrodysplasia punctata (MIM#302960) and X-linked recessive MEND syndrome (MIM#300960). (I) 0109 - This gene is associated with X-linked disease. (I) 0115 - Variants in this gene are known to have variable expressivity due to X-inactivation and associated with chondrodysplasia punctata (MIM#302960) (GeneReviews). (I) 0211 - Canonical splice site variant without proven consequence on splicing (no functional evidence available). (SP) 0251 - This variant is heterozygous. (I) 0301 - Variant is absent from gnomAD (both v2 and v3). (SP) 0505 - Abnormal splicing is predicted by in silico tools and affected nucleotide is highly conserved. (SP) 0703 - Other canonical splice site variants comparable to the one identified in this case have moderate previous evidence for pathogenicity. (SP) 0807 - This variant has no previous evidence of pathogenicity. (I) 0905 - No published segregation evidence has been identified for this variant. (I) 1007 - No published functional evidence has been identified for this variant. (I) 1207 - Parental origin of the variant is unresolved.

Literature cited by the submitters: PubMed 10391219; PubMed 11982764; PubMed 12483303; PubMed 22121851.